The following is an entry in ClinVar:

ClinVar aggregate classification (germline): Uncertain significance. Review status: criteria provided, multiple submitters, no conflicts (2 of 4 stars). 3 submissions from 3 submitters: Uncertain significance (3). Last evaluated 2025-10-27.

Conditions:
Brachydactyly type B1 (BDB1). Identifiers: Orphanet 572385, Orphanet 93383, MedGen C1862112, MONDO:0007220, OMIM 113000.
Autosomal recessive Robinow syndrome (RRS1). Also called: ROBINOW SYNDROME, AUTOSOMAL RECESSIVE 1; COSTOVERTEBRAL SEGMENTATION DEFECT WITH MESOMELIA; COVESDEM SYNDROME; ROR2-Related Robinow Syndrome. Identifiers: Orphanet 1507, Orphanet 97360, MedGen C5399974, MONDO:0009999, OMIM 268310.

Allele frequency attached by ClinVar (database versions not stated): TOPMed 0.00005; 1000 Genomes Project 30x 0.00016; 1000 Genomes Project 0.00020.
gnomAD v4.1: 45 of 1,613,480 alleles (0.0028%); highest among the groups gnomAD compares: East Asian, 0.087%; no homozygotes.

Submissions (3):

Labcorp Genetics (formerly Invitae), Labcorp
Classification: Uncertain significance. Last evaluated: 2025-10-27. Review status: criteria provided, single submitter. Criteria: Invitae Variant Classification Sherloc (09022015). Collection method: clinical testing. Allele origin: germline.
Comment: This sequence change replaces glycine, which is neutral and non-polar, with aspartic acid, which is acidic and polar, at codon 750 of the ROR2 protein (p.Gly750Asp). This variant is present in population databases (rs552528721, gnomAD 0.2%). This variant has not been reported in the literature in individuals affected with ROR2-related conditions. ClinVar contains an entry for this variant (Variation ID: 1314538). Invitae Evidence Modeling of protein sequence and biophysical properties (such as structural, functional, and spatial information, amino acid conservation, physicochemical variation, residue mobility, and thermodynamic stability) indicates that this missense variant is not expected to disrupt ROR2 protein function with a negative predictive value of 80%. In summary, the available evidence is currently insufficient to determine the role of this variant in disease. Therefore, it has been classified as a Variant of Uncertain Significance.

Fulgent Genetics
Classification: Uncertain significance for Brachydactyly type B1; Autosomal recessive Robinow syndrome. Last evaluated: 2024-04-03. Review status: criteria provided, single submitter. Criteria: ACMG Guidelines, 2015. Collection method: clinical testing. Allele origin: germline.

GeneDx
Classification: Uncertain significance. Last evaluated: 2020-01-23. Review status: criteria provided, single submitter. Criteria: GeneDx Variant Classification Process June 2021. Collection method: clinical testing. Allele origin: germline. Affected: yes.
Comment: In silico analysis, which includes protein predictors and evolutionary conservation, supports that this variant does not alter protein structure/function; Has not been previously published as pathogenic or benign to our knowledge

NM_004560.4(ROR2):c.2249G>A (p.Gly750Asp)

Gene: ROR2 (receptor tyrosine kinase like orphan receptor 2; minus strand). Cytogenetic location: 9q22.31.
Variant type: single nucleotide variant.
Coding change: c.2249G>A on transcript NM_004560.4 (MANE Select); coding-DNA position 2249, G replaced by A.
Protein change: p.Gly750Asp; replaces glycine 750 with aspartic acid.
Molecular consequence: missense variant.
Genome position (GRCh38, 1-based): chr9:91,724,245, C>T on the plus strand (G>A on the coding strand, the complement: ROR2 is on the minus strand). VCF-style: chr9-91724245-C-T. GRCh37 (hg19) VCF-style: chr9-94486527-C-T.
Other names: short protein forms G750D.
Identifiers: ClinVar variation 1314538 (VCV001314538.9), dbSNP rs552528721, ClinGen allele CA5120439.
Genomic context (GRCh38, chr9:91,724,245, plus strand): 5'-GTCTGCGTGGTGTTGCTGGCCCCCGAGGTCTGCGCCGAGCTGTTGTAGTTGGAAAGGTTG[C>T]CCCAGGCTCGGAGCCGGCTGTGGATGTCCTTGAAGCGGGGCCGCCGGCTGGGGAACTCGT-3'
Protein context (NP_004551.2, residues 740-760): KDIHSRLRAW[Gly750Asp]NLSNYNSSAQ